The following is an entry in ClinVar:

NM_014000.3(VCL):c.2799G>A (p.Ala933=)

Gene: VCL (vinculin; plus strand). Cytogenetic location: 10q22.2.
Variant type: single nucleotide variant.
Coding change: c.2799G>A on transcript NM_014000.3 (MANE Select); coding-DNA position 2799, G replaced by A.
Protein change: p.Ala933=; no amino-acid change (alanine 933 retained).
Molecular consequence: synonymous variant. On other transcripts: intron variant (1).
Genome position (GRCh38, 1-based): chr10:74,111,962, G>A. VCF-style: chr10-74111962-G-A. GRCh37 (hg19) VCF-style: chr10-75871720-G-A.
Other names: p.A933A:GCG>GCA; c.2746-2222G>A (NM_003373.4).
Identifiers: ClinVar variation 137900 (VCV000137900.19), dbSNP rs199507346, ClinGen allele CA333103.
Genomic context (GRCh38, chr10:74,111,962, plus strand): 5'-GACAAAGCCGGGCATCCCAGCCGCTGAGGTGGGTATAGGTGTTGTAGCTGAGGCAGATGC[G>A]GCCGATGCTGCTGGCTTCCCTGTCCCCCCTGACATGGAAGACGATTACGAACCTGAGCTG-3'
Protein context (NP_054706.1, residues 923-943): VGIGVVAEAD[Ala933=]ADAAGFPVPP

ClinVar aggregate classification (germline): Benign/Likely benign. Review status: criteria provided, multiple submitters, no conflicts (2 of 4 stars). 6 submissions from 6 submitters: Benign (1); Likely benign (5). Last evaluated 2025-11-25.

Conditions:
Cardiovascular phenotype. Identifiers: MedGen CN230736.
Cardiomyopathy (CMYO). Also called: Cardiomyopathies. Identifiers: Orphanet 167848, MedGen C0878544, MONDO:0004994, HP:0001638. Inheritance: Various modes of inheritance.
Dilated cardiomyopathy 1W (CMD1W). Identifiers: Orphanet 154, MedGen C1969639, MONDO:0012667, OMIM 611407.

Allele frequency attached by ClinVar (database versions not stated): gnomAD exomes 0.00004 and 0.00008; ExAC 0.00005; TOPMed 0.00006; gnomAD 0.00009 and 0.00010; 1000 Genomes Project 30x 0.00031; 1000 Genomes Project 0.00040.
gnomAD v4.1: 131 of 1,614,126 alleles (0.0081%); highest among the groups gnomAD compares: Non-Finnish European, 0.011%; no homozygotes.

Submissions (6):

Labcorp Genetics (formerly Invitae), Labcorp
Classification: Likely benign for Dilated cardiomyopathy 1W. Last evaluated: 2025-11-25. Review status: criteria provided, single submitter. Criteria: Invitae Variant Classification Sherloc (09022015). Collection method: clinical testing. Allele origin: germline.

Blueprint Genetics
Classification: Likely benign. Last evaluated: 2024-10-24. Review status: criteria provided, single submitter. Criteria: ACMG Guidelines, 2015. Collection method: clinical testing. Allele origin: germline.

Ambry Genetics
Classification: Likely benign for Cardiovascular phenotype. Last evaluated: 2023-10-15. Review status: criteria provided, single submitter. Criteria: Ambry Variant Classification Scheme 2023. Collection method: clinical testing. Allele origin: germline.

CHEO Genetics Diagnostic Laboratory, Children's Hospital of Eastern Ontario
Classification: Likely benign for Cardiomyopathy. Last evaluated: 2019-04-02. Review status: criteria provided, single submitter. Criteria: ACMG Guidelines, 2015. Collection method: clinical testing. Allele origin: germline.

Laboratory for Molecular Medicine, Mass General Brigham Personalized Medicine
Classification: Likely benign. Last evaluated: 2015-05-26. Review status: criteria provided, single submitter. Criteria: LMM Criteria. Collection method: clinical testing. Allele origin: germline. Observed: 1 variant allele.
Comment: p.Ala933Ala in exon 19 of VCL: This variant is not expected to have clinical sig nificance because it does not alter an amino acid residue and is not located wit hin the splice consensus sequence. It has been identified in 4/66692 European ch romosomes by the Exome Aggregation Consortium (ExAC. org; dbSNP rs199507346).

GeneDx
Classification: Benign. Last evaluated: 2014-01-29. Review status: criteria provided, single submitter. Criteria: GeneDx Variant Classification (06012015). Collection method: clinical testing. Allele origin: germline. Affected: yes.
Comment: This variant is considered likely benign or benign based on one or more of the following criteria: it is a conservative change, it occurs at a poorly conserved position in the protein, it is predicted to be benign by multiple in silico algorithms, and/or has population frequency not consistent with disease.